The following is an entry in ClinVar:

NM_001267550.2(TTN):c.26354T>C (p.Ile8785Thr)

Gene: TTN (titin; minus strand). Cytogenetic location: 2q31.2.
Variant type: single nucleotide variant.
Coding change: c.26354T>C on transcript NM_001267550.2 (MANE Select); coding-DNA position 26354, T replaced by C.
Protein change: p.Ile8785Thr; replaces isoleucine 8785 with threonine.
Molecular consequence: missense variant. On other transcripts: intron variant (3).
Genome position (GRCh38, 1-based): chr2:178,714,420, A>G on the plus strand (T>C on the coding strand, the complement: TTN is on the minus strand). VCF-style: chr2-178714420-A-G. GRCh37 (hg19) VCF-style: chr2-179579147-A-G.
Other names: c.25403T>C, p.Ile8468Thr (NM_001256850.1); c.22622T>C, p.Ile7541Thr (NM_133378.4); c.13282+23662T>C (NM_003319.4); c.13858+23662T>C (NM_133437.4); c.13657+23662T>C (NM_133432.3); short protein forms I7541T, I8468T, I8785T.
Identifiers: ClinVar variation 4813588 (VCV004813588.1).

ClinVar aggregate classification (germline): Uncertain significance (1 of 4 stars; one submission).

Conditions:
Early-onset myopathy with fatal cardiomyopathy (CMYO5). Also called: Salih Myopathy; CONGENITAL MYOPATHY 5 WITH CARDIOMYOPATHY. Identifiers: Orphanet 289377, MedGen C2673677, MONDO:0012714, OMIM 611705. Disease mechanism: loss of function.

Submission:

Mendelics
Classification: Uncertain significance for Early-onset myopathy with fatal cardiomyopathy. Last evaluated: 2026-03-05. Review status: criteria provided, single submitter. Criteria: ACMG Guidelines, 2015. Collection method: clinical testing. Allele origin: unknown.
Comment: The available evidence is insufficient to conclusively determine the role of this variant. Therefore, it is classified as a Variant of Uncertain Significance.